The following is an entry in ClinVar:

ClinVar aggregate classification (germline): Pathogenic/Likely pathogenic. Review status: criteria provided, multiple submitters, no conflicts (2 of 4 stars). 3 submissions from 3 submitters: Pathogenic (1); Likely pathogenic (2). Last evaluated 2024-04-17.

Conditions:
Wilson disease (WND). Also called: Wilson's disease. Identifiers: Orphanet 905, MedGen C0019202, MONDO:0010200, OMIM 277900. Disease mechanism: loss of function.
ATP7B-related disorder. Also called: ATP7B-related condition.

Submissions (3):

Blueprint Genetics
Classification: Likely pathogenic for ATP7B-related disorders. Last evaluated: 2024-04-17. Review status: criteria provided, single submitter. Criteria: ACMG Guidelines, 2015. Collection method: clinical testing. Allele origin: germline. Affected: yes. Observed: 1 variant allele.

Fulgent Genetics
Classification: Likely pathogenic for Wilson disease. Last evaluated: 2024-04-11. Review status: criteria provided, single submitter. Criteria: ACMG Guidelines, 2015. Collection method: clinical testing. Allele origin: germline.

Labcorp Genetics (formerly Invitae), Labcorp
Classification: Pathogenic for Wilson disease. Last evaluated: 2023-10-29. Review status: criteria provided, single submitter. Criteria: Invitae Variant Classification Sherloc (09022015). Collection method: clinical testing. Allele origin: germline.
Comment: This sequence change creates a premature translational stop signal (p.Arg339Serfs*24) in the ATP7B gene. It is expected to result in an absent or disrupted protein product. Loss-of-function variants in ATP7B are known to be pathogenic (PMID: 10441329, 16283883). This variant is not present in population databases (gnomAD no frequency). This variant has not been reported in the literature in individuals affected with ATP7B-related conditions. For these reasons, this variant has been classified as Pathogenic.

Literature cited by the submitters: PubMed 10441329 (cited by Labcorp Genetics (formerly Invitae), Labcorp); PubMed 16283883 (cited by Labcorp Genetics (formerly Invitae), Labcorp).

NM_000053.4(ATP7B):c.1017del (p.Arg339fs)

Gene: ATP7B (ATPase copper transporting beta; minus strand). Cytogenetic location: 13q14.3.
Variant type: Deletion.
Coding change: c.1017del on transcript NM_000053.4 (MANE Select); coding-DNA position 1017, one base deleted (G; older notation c.1017delG).
Protein change: p.Arg339fs; shifts the reading frame from arginine 339.
Molecular consequence: frameshift variant. On other transcripts: intron variant (2).
Genome position (GRCh38, 1-based): chr13:51,974,203, C deleted on the plus strand (G on the coding strand, the reverse complement: ATP7B is on the minus strand); the first of 2 consecutive C bases (chr13:51,974,203-51,974,204); deleting either gives the same sequence. VCF-style (leftmost placement, unchanged base first): chr13-51974202-AC-A. GRCh37 (hg19) VCF-style: chr13-52548338-AC-A.
Other names: c.1017del, p.Arg339fs (NM_001005918.3, NM_001330578.2, NM_001330579.2 and 29 more transcripts); c.921del, p.Arg307fs (NM_001406517.1, NM_001406518.1, NM_001406530.1 and 3 more transcripts); c.803-119del (NM_001243182.2); c.707-119del (NM_001406539.1); short protein forms R339fs, R307fs.
Identifiers: ClinVar variation 2772704 (VCV002772704.5), dbSNP rs2547815959, ClinGen allele CA2697551880.
Genomic context (GRCh38, chr13:51,974,202, plus strand): 5'-TACTGCATGTGCCCTGGACCTGGTTTCTCGGTGGGGAGCCAGGGGAATGAGAACTGGAAG[AC>A]CTGTGATCTGTCCCACTCCCTTCGGCTCCATCAGGAAGAGAAACTTTAAAATTCCCAGGT-3'